The following is an entry in ClinVar:

ClinVar aggregate classification (germline): Likely benign. Review status: criteria provided, multiple submitters, no conflicts (2 of 4 stars). 14 submissions from 14 submitters: Likely benign (10). 4 of the submissions do not count toward it. Last evaluated 2026-03-23.

Conditions:
Hereditary cancer-predisposing syndrome. Also called: Neoplastic Syndromes, Hereditary; Tumor predisposition; Hereditary Cancer Syndrome; Hereditary neoplastic syndrome. Identifiers: Orphanet 140162, MedGen C0027672, MeSH D009386, MONDO:0015356.
Hereditary breast ovarian cancer syndrome. Also called: Breast and ovarian cancer; BRCA1- and BRCA2-Associated Hereditary Breast and Ovarian Cancer; Hereditary breast and ovarian cancer syndrome; Hereditary breast and/or ovarian cancer syndrome; Hereditary breast and ovarian cancer syndrome (HBOC); Hereditary breast and ovarian cancer. Identifiers: Orphanet 145, MedGen C0677776, MeSH D061325, MONDO:0003582. Disease mechanism: loss of function.
Breast-ovarian cancer, familial, susceptibility to, 2 (BROVCA2). Also called: BRCA2 Hereditary Breast and Ovarian Cancer. Identifiers: Orphanet 145, MedGen C2675520, MONDO:0012933, OMIM 612555. Disease mechanism: loss of function.

Allele frequency attached by ClinVar (database versions not stated): ExAC 0.00001; gnomAD 0.00001; gnomAD exomes 0.00002; TOPMed 0.00003; ESP Exome Variant Server 0.00008.
gnomAD v4.1: 28 of 1,601,596 alleles (0.0017%); highest among the groups gnomAD compares: Admixed American, 0.0052%; no homozygotes.

Submissions (14):

Women's Health and Genetics/Laboratory Corporation of America, LabCorp
Classification: Likely benign. Last evaluated: 2026-03-23. Review status: criteria provided, single submitter. Criteria: LabCorp Variant Classification Summary - May 2015. Collection method: clinical testing. Allele origin: germline.
Comment: Variant summary: BRCA2 c.856T>C (p.Ser286Pro) results in a non-conservative amino acid change in the encoded protein sequence. Algorithms developed to predict the effect of missense changes on protein structure and function are either unavailable or do not agree on the potential impact of this missense change. The variant allele was found at a frequency of 2.1e-05 in 240246 control chromosomes. The available data on variant occurrences in the general population are insufficient to allow any conclusion about variant significance. c.856T>C has been observed in individuals affected with Hereditary Breast and Ovarian Cancer (example: Balia 2011, Azzollini 2016, Solmaz_2020, Dorling_2021, Patruno_2021). These reports do not provide unequivocal conclusions about association of the variant with Hereditary Breast And Ovarian Cancer Syndrome. Co-occurrences with pathogenic variants have been reported (BRCA1 c.5266dupC, p.Gln1756ProfsX74; BIC database) and have been observed internally (BRCA1 c.1044T>A, p.Cys348X), providing supporting evidence for a benign role. Several publications reported experimental evidence evaluating an impact on protein function (Balia 2011, Guidugli 2013, Spugnesi 2013). These results showed no damaging effect for this variant. The following publications have been ascertained in the context of this evaluation (PMID: 24323938, 21671020, 23328489, 26689913, 28263838, 27062684, 31954625, 33471991, 29061375, 34572941). ClinVar contains an entry for this variant (Variation ID: 52622). Based on the evidence outlined above, the variant was classified as likely benign.

Labcorp Genetics (formerly Invitae), Labcorp
Classification: Likely benign for Hereditary breast ovarian cancer syndrome. Last evaluated: 2025-12-22. Review status: criteria provided, single submitter. Criteria: Invitae Variant Classification Sherloc (09022015). Collection method: clinical testing. Allele origin: germline.

Quest Diagnostics Nichols Institute San Juan Capistrano
Classification: Likely benign. Last evaluated: 2025-07-17. Review status: criteria provided, single submitter. Criteria: Quest Diagnostics criteria. Collection method: clinical testing. Allele origin: unknown.

Blueprint Genetics
Classification: Likely benign. Last evaluated: 2023-12-01. Review status: criteria provided, single submitter. Criteria: ACMG Guidelines, 2015. Collection method: clinical testing. Allele origin: germline.

University of Washington Department of Laboratory Medicine, University of Washington
Classification: Likely benign for Hereditary cancer-predisposing syndrome. Last evaluated: 2023-03-23. Review status: criteria provided, single submitter. Criteria: Dines et al. (Genet Med. 2020). Collection method: curation. Allele origin: germline.
Comment: Missense variant in a coldspot region where missense variants are very unlikely to be pathogenic (PMID:31911673).

BRCA2 exon 10 coldspot. Reclassification based on statistical prior probability.

Sema4
Classification: Likely benign for Hereditary cancer-predisposing syndrome. Last evaluated: 2021-02-22. Review status: criteria provided, single submitter. Criteria: Sema4 Curation Guidelines. Collection method: curation. Allele origin: germline.

GeneDx
Classification: Likely benign. Last evaluated: 2021-02-03. Review status: criteria provided, single submitter. Criteria: GeneDx Variant Classification Process June 2021. Collection method: clinical testing. Allele origin: germline. Affected: yes.
Comment: This variant is associated with the following publications: (PMID: 27225819, 24323938, 28263838, 25348012, 27062684, 24817641, 29061375, 26689913, 21671020, 23328489, 31131967)

Ambry Genetics
Classification: Likely benign for Hereditary cancer-predisposing syndrome. Last evaluated: 2019-04-17. Review status: criteria provided, single submitter. Criteria: Ambry Variant Classification Scheme 2023. Collection method: clinical testing. Allele origin: germline.

ARUP Laboratories, Molecular Genetics and Genomics, ARUP Laboratories
Classification: Likely benign. Last evaluated: 2017-02-27. Review status: criteria provided, single submitter. Criteria: ARUP Molecular Germline Variant Investigation Process. Collection method: clinical testing. Allele origin: germline.

Color Diagnostics, LLC DBA Color Health
Classification: Likely benign for Hereditary cancer-predisposing syndrome. Last evaluated: 2015-02-19. Review status: criteria provided, single submitter. Criteria: ACMG Guidelines, 2015. Collection method: clinical testing. Allele origin: germline.

BRCAlab, Lund University
Classification: Likely benign for Breast-ovarian cancer, familial, susceptibility to, 2. Last evaluated: 2020-03-02. Review status: no assertion criteria provided. Collection method: clinical testing. Allele origin: germline. Affected: yes. Not counted in ClinVar's aggregate classification.

Counsyl
Classification: Uncertain significance for Breast-ovarian cancer, familial, susceptibility to, 2. Last evaluated: 2016-01-27. Review status: no assertion criteria provided. Collection method: clinical testing. Allele origin: unknown. Not counted in ClinVar's aggregate classification.

Sharing Clinical Reports Project (SCRP)
Classification: Likely benign for Breast-ovarian cancer, familial 2. Last evaluated: 2013-03-04. Review status: no assertion criteria provided. Collection method: clinical testing. Allele origin: germline. Not counted in ClinVar's aggregate classification.

Breast Cancer Information Core (BIC) (BRCA2)
Classification: Uncertain significance for Breast-ovarian cancer, familial 2. Last evaluated: 2002-06-20. Review status: no assertion criteria provided. Collection method: clinical testing. Allele origin: germline. Affected: yes. Observed: 5 variant alleles. Not counted in ClinVar's aggregate classification.

Literature cited by the submitters: PubMed 24323938 (cited by Women's Health and Genetics/Laboratory Corporation of America, LabCorp and Ambry Genetics); PubMed 21671020 (cited by 5 submitters); PubMed 23328489 (cited by 5 submitters); PubMed 26689913 (cited by 3 submitters); PubMed 28263838 (cited by Women's Health and Genetics/Laboratory Corporation of America, LabCorp and Quest Diagnostics Nichols Institute San Juan Capistrano); PubMed 27062684 (cited by 3 submitters); PubMed 31954625 (cited by Women's Health and Genetics/Laboratory Corporation of America, LabCorp and Quest Diagnostics Nichols Institute San Juan Capistrano); PubMed 33471991 (cited by Women's Health and Genetics/Laboratory Corporation of America, LabCorp and Quest Diagnostics Nichols Institute San Juan Capistrano); PubMed 29061375 (cited by Women's Health and Genetics/Laboratory Corporation of America, LabCorp and Quest Diagnostics Nichols Institute San Juan Capistrano); PubMed 34572941 (cited by Women's Health and Genetics/Laboratory Corporation of America, LabCorp); PubMed 31911673 (cited by Quest Diagnostics Nichols Institute San Juan Capistrano); PubMed 31874108 (cited by Quest Diagnostics Nichols Institute San Juan Capistrano); PubMed 25348012 (cited by Counsyl); PubMed 24817641 (cited by Counsyl).

NM_000059.4(BRCA2):c.856T>C (p.Ser286Pro)

Gene: BRCA2 (BRCA2 DNA repair associated; plus strand). Cytogenetic location: 13q13.1.
Variant type: single nucleotide variant.
Coding change: c.856T>C on transcript NM_000059.4 (MANE Select); coding-DNA position 856, T replaced by C.
Protein change: p.Ser286Pro; replaces serine 286 with proline.
Molecular consequence: missense variant.
Genome position (GRCh38, 1-based): chr13:32,332,334, T>C. VCF-style: chr13-32332334-T-C. GRCh37 (hg19) VCF-style: chr13-32906471-T-C.
Other names: p.S286P:TCA>CCA; 1084T>C; short protein forms S286P.
Identifiers: ClinVar variation 52622 (VCV000052622.36), dbSNP rs80359111, ClinGen allele CA025714.